The following is an entry in ClinVar:

NM_001278116.2(L1CAM):c.2092G>A (p.Gly698Arg)

Gene: L1CAM (L1 cell adhesion molecule; minus strand). Cytogenetic location: Xq28.
Variant type: single nucleotide variant.
Coding change: c.2092G>A on transcript NM_001278116.2 (MANE Select); coding-DNA position 2092, G replaced by A.
Protein change: p.Gly698Arg; replaces glycine 698 with arginine.
Molecular consequence: missense variant.
Genome position (GRCh38, 1-based): chrX:153,867,401, C>T on the plus strand (G>A on the coding strand, the complement: L1CAM is on the minus strand). VCF-style: chrX-153867401-C-T. GRCh37 (hg19) VCF-style: chrX-153132856-C-T.
Other names: c.2092G>A, p.Gly698Arg (NM_000425.5, NM_024003.3); c.2077G>A, p.Gly693Arg (NM_001143963.2); short protein forms G698R, G693R.
Identifiers: ClinVar variation 265225 (VCV000265225.7), dbSNP rs886039409, ClinGen allele CA10588748.
Genomic context (GRCh38, chrX:153,867,401, plus strand): 5'-GCCACCCTGACTCACCTGCCTCAGGTGTGACCACAGTCTCAGAGACCGGGCTGGGCTCCC[C>T]GGGGCCATATTTGTTTATGGCAGTAACCCTAAAGGTGTAGTGGACATAGGGCGACAGCTT-3'
Protein context (NP_001265045.1, residues 688-708): RVTAINKYGP[Gly698Arg]EPSPVSETVV

ClinVar aggregate classification (germline): Pathogenic/Likely pathogenic. Review status: criteria provided, multiple submitters, no conflicts (2 of 4 stars). 3 submissions from 3 submitters: Pathogenic (2); Likely pathogenic (1). Last evaluated 2026-05-28.

Conditions:
L1 syndrome. Identifiers: Orphanet 275543, MedGen C5779710, MONDO:0017140.
Spastic paraplegia. Identifiers: MedGen C0037772, HP:0001258.

Allele frequency attached by ClinVar (database versions not stated): gnomAD exomes below 0.00001.
gnomAD v4.1: 1 of 1,210,441 alleles (0.000083%); highest among the groups gnomAD compares: Non-Finnish European, 0.00011%; no homozygotes.

Submissions (3):

Myriad Genetics, Inc.
Classification: Likely pathogenic for L1 syndrome. Last evaluated: 2026-05-28. Review status: criteria provided, single submitter. Criteria: Myriad Autosomal Dominant, Autosomal Recessive and X-Linked Classification Criteria (2023). Collection method: clinical testing. Allele origin: unknown.
Comment: NM_001278116.1(L1CAM):c.2092G>A(G698R) is a missense variant classified as likely pathogenic in the context of L1 syndrome. G698R has been observed in cases with relevant disease (PMID: 9832035, 22344793, 34510796). Relevant functional assessments of this variant are available in the literature (PMID: 21688291, 11772994). G698R has not been observed in referenced population frequency databases. In summary, NM_001278116.1(L1CAM):c.2092G>A(G698R) is a missense variant that has functional support for pathogenicity and has been observed more frequently in cases with the relevant disease than in healthy populations. Please note: this variant was assessed in the context of healthy population screening.

GeneDx
Classification: Pathogenic. Last evaluated: 2023-11-14. Review status: criteria provided, single submitter. Criteria: GeneDx Variant Classification Process June 2021. Collection method: clinical testing. Allele origin: germline. Affected: yes.
Comment: Published functional studies support that this variant perturbs cellular localization of the protein (PMID: 21688291); Located within Fibronectin type-III repeat 1 (PMID: 25641508); In silico analysis supports that this missense variant has a deleterious effect on protein structure/function; Not observed at significant frequency in large population cohorts (gnomAD); This variant is associated with the following publications: (PMID: 11772994, 33768880, 9521424, 9832035, 34510796, 22344793, 37766829, 25641508, 21688291)

Labcorp Genetics (formerly Invitae), Labcorp
Classification: Pathogenic for Spastic paraplegia. Last evaluated: 2023-02-21. Review status: criteria provided, single submitter. Criteria: Invitae Variant Classification Sherloc (09022015). Collection method: clinical testing. Allele origin: germline.
Comment: This missense change has been observed in individuals with clinical features of L1 syndrome (PMID: 9521424, 22344793, 34510796; Invitae). It has also been observed to segregate with disease in related individuals. For these reasons, this variant has been classified as Pathogenic. Experimental studies have shown that this missense change affects L1CAM function (PMID: 11772994, 21688291). Advanced modeling of protein sequence and biophysical properties (such as structural, functional, and spatial information, amino acid conservation, physicochemical variation, residue mobility, and thermodynamic stability) has been performed at Invitae for this missense variant, however the output from this modeling did not meet the statistical confidence thresholds required to predict the impact of this variant on L1CAM protein function. ClinVar contains an entry for this variant (Variation ID: 265225). This variant is not present in population databases (gnomAD no frequency). This sequence change replaces glycine, which is neutral and non-polar, with arginine, which is basic and polar, at codon 698 of the L1CAM protein (p.Gly698Arg).

Literature cited by the submitters: PubMed 11772994 (cited by Myriad Genetics, Inc. and Labcorp Genetics (formerly Invitae), Labcorp); PubMed 21688291 (cited by Myriad Genetics, Inc. and Labcorp Genetics (formerly Invitae), Labcorp); PubMed 22344793 (cited by Myriad Genetics, Inc. and Labcorp Genetics (formerly Invitae), Labcorp); PubMed 34510796 (cited by Myriad Genetics, Inc. and Labcorp Genetics (formerly Invitae), Labcorp); PubMed 9832035 (cited by Myriad Genetics, Inc.); PubMed 9521424 (cited by Labcorp Genetics (formerly Invitae), Labcorp).